The following is an entry in ClinVar:

ClinVar aggregate classification (germline): Uncertain significance (1 of 4 stars; one submission).

gnomAD v4.1: 1 of 1,547,514 alleles (0.000065%); highest among the groups gnomAD compares: Middle Eastern, 0.017%; no homozygotes.

Submission:

GeneDx
Classification: Uncertain significance. Last evaluated: 2024-11-20. Review status: criteria provided, single submitter. Criteria: GeneDx Variant Classification Process June 2021. Collection method: clinical testing. Allele origin: germline. Affected: yes.
Comment: Not observed at significant frequency in large population cohorts (gnomAD); In silico analysis suggests this variant may impact gene splicing. In the absence of RNA/functional studies, the actual effect of this sequence change is unknown.; Has not been previously published as pathogenic or benign to our knowledge

NM_001267550.2(TTN):c.39710-11T>C

Gene: TTN (titin; minus strand). Cytogenetic location: 2q31.2.
Variant type: single nucleotide variant.
Coding change: c.39710-11T>C on transcript NM_001267550.2 (MANE Select); 11 bases into the intron before coding-DNA position 39710, T replaced by C.
Molecular consequence: intron variant.
Genome position (GRCh38, 1-based): chr2:178,650,282, A>G on the plus strand (T>C on the coding strand, the complement: TTN is on the minus strand). VCF-style: chr2-178650282-A-G. GRCh37 (hg19) VCF-style: chr2-179515009-A-G.
Other names: c.13283-7965T>C (NM_003319.4); c.13859-7965T>C (NM_133437.4); c.13658-7965T>C (NM_133432.3); c.32408-11T>C (NM_133378.4); c.35189-11T>C (NM_001256850.1).
Identifiers: ClinVar variation 3900357 (VCV003900357.1).